The following is an entry in ClinVar:

ClinVar aggregate classification (germline): Uncertain significance. Review status: criteria provided, multiple submitters, no conflicts (2 of 4 stars). 3 submissions from 3 submitters: Uncertain significance (3). Last evaluated 2025-02-05.

Allele frequency attached by ClinVar (database versions not stated): gnomAD exomes 0.00001; TOPMed 0.00002; ExAC 0.00006.

Submissions (3):

Ambry Genetics
Classification: Uncertain significance. Last evaluated: 2025-02-05. Review status: criteria provided, single submitter. Criteria: Ambry Variant Classification Scheme 2023. Collection method: clinical testing. Allele origin: germline.

Labcorp Genetics (formerly Invitae), Labcorp
Classification: Uncertain significance. Last evaluated: 2025-01-28. Review status: criteria provided, single submitter. Criteria: Invitae Variant Classification Sherloc (09022015). Collection method: clinical testing. Allele origin: germline.
Comment: This sequence change replaces asparagine, which is neutral and polar, with serine, which is neutral and polar, at codon 290 of the SRP72 protein (p.Asn290Ser). This variant is present in population databases (rs747672714, gnomAD 0.02%). This variant has not been reported in the literature in individuals affected with SRP72-related conditions. ClinVar contains an entry for this variant (Variation ID: 2574775). Invitae Evidence Modeling of protein sequence and biophysical properties (such as structural, functional, and spatial information, amino acid conservation, physicochemical variation, residue mobility, and thermodynamic stability) indicates that this missense variant is not expected to disrupt SRP72 protein function with a negative predictive value of 80%. In summary, the available evidence is currently insufficient to determine the role of this variant in disease. Therefore, it has been classified as a Variant of Uncertain Significance.

GeneDx
Classification: Uncertain significance. Last evaluated: 2023-02-07. Review status: criteria provided, single submitter. Criteria: GeneDx Variant Classification Process June 2021. Collection method: clinical testing. Allele origin: germline. Affected: yes.
Comment: In silico analysis supports that this missense variant does not alter protein structure/function; Has not been previously published as pathogenic or benign to our knowledge

NM_006947.4(SRP72):c.869A>G (p.Asn290Ser)

Gene: SRP72 (signal recognition particle 72; plus strand). Cytogenetic location: 4q12.
Variant type: single nucleotide variant.
Coding change: c.869A>G on transcript NM_006947.4 (MANE Select); coding-DNA position 869, A replaced by G.
Protein change: p.Asn290Ser; replaces asparagine 290 with serine.
Molecular consequence: missense variant. On other transcripts: non-coding transcript variant (1).
Genome position (GRCh38, 1-based): chr4:56,483,182, A>G. VCF-style: chr4-56483182-A-G. GRCh37 (hg19) VCF-style: chr4-57349348-A-G.
Other names: c.686A>G, p.Asn229Ser (NM_001267722.2); short protein forms N229S, N290S.
Identifiers: ClinVar variation 2574775 (VCV002574775.5), dbSNP rs747672714, ClinGen allele CA2931205.